The following is an entry in ClinVar:

NM_004415.4(DSP):c.2131_2132del

Gene: DSP (desmoplakin; plus strand). Cytogenetic location: 6p24.3.
Variant type: Microsatellite.
Coding change: c.2131_2132del on transcript NM_004415.4 (MANE Select); coding-DNA positions 2131 to 2132, 2 bases deleted (AG; older notation c.2131_2132delAG).
Molecular consequence: splice acceptor variant.
Genome position (GRCh38, 1-based): chr6:7,574,086-7,574,087, AG deleted; deleting any 2 consecutive bases within chr6:7,574,084-7,574,087 gives the same sequence; the c. name uses the placement nearest the transcript's 3' end. VCF-style (leftmost placement, unchanged base first): chr6-7574083-CAG-C. GRCh37 (hg19) VCF-style: chr6-7574316-CAG-C.
Other names: c.2131_2132delAG (NM_004415.2).
Identifiers: ClinVar variation 143947 (VCV000143947.33), dbSNP rs587782927, ClinGen allele CA005279.

ClinVar aggregate classification (germline): Pathogenic/Likely pathogenic. Review status: criteria provided, multiple submitters, no conflicts (2 of 4 stars). 6 submissions from 6 submitters: Pathogenic (4); Likely pathogenic (1). 1 of the submissions does not count toward it. Last evaluated 2025-12-22.

Conditions:
Cardiomyopathy, dilated, with wooly hair, keratoderma, and tooth agenesis. Also called: Erythrokeratodermia-cardiomyopathy syndrome; Cardiomyopathy, dilated, with woolly hair, keratoderma, and tooth agenesis. Identifiers: Orphanet 476096, Orphanet 65282, MedGen C4014393, MONDO:0014355, OMIM 615821.
Left ventricular noncompaction cardiomyopathy. Also called: left ventricular non-compaction cardiomyopathy. Identifiers: MedGen C4021133, HP:0011664.
Ventricular tachycardia. Identifiers: MedGen C0042514, MONDO:0005477, HP:0004756.
Arrhythmogenic cardiomyopathy with wooly hair and keratoderma. Also called: PALMOPLANTAR KERATODERMA WITH LEFT VENTRICULAR CARDIOMYOPATHY AND WOOLLY HAIR; Carvajal syndrome; Dilated cardiomyopathy with woolly hair and keratoderma; Arrhythmogenic cardiomyopathy with woolly hair and keratoderma. Identifiers: Orphanet 65282, MedGen C1854063, MONDO:0011581, OMIM 605676.
Arrhythmogenic right ventricular dysplasia 8 (ARVD8). Also called: Arrhythmogenic Right Ventricular Dysplasia/Cardiomyopathy 8; ARRHYTHMOGENIC RIGHT VENTRICULAR DYSPLASIA, FAMILIAL, 8; ARRHYTHMOGENIC RIGHT VENTRICULAR CARDIOMYOPATHY 8. Identifiers: MedGen C1843896, MONDO:0011831, OMIM 607450.
Cardiomyopathy (CMYO). Also called: Cardiomyopathies. Identifiers: Orphanet 167848, MedGen C0878544, MONDO:0004994, HP:0001638. Inheritance: Various modes of inheritance.

Submissions (6):

Labcorp Genetics (formerly Invitae), Labcorp
Classification: Pathogenic for Arrhythmogenic cardiomyopathy with wooly hair and keratoderma; Arrhythmogenic right ventricular dysplasia 8. Last evaluated: 2025-12-22. Review status: criteria provided, single submitter. Criteria: Invitae Variant Classification Sherloc (09022015). Collection method: clinical testing. Allele origin: germline.
Comment: This sequence change creates a premature translational stop signal (p.Ser711Cysfs*4) in the DSP gene. It is expected to result in an absent or disrupted protein product. Loss-of-function variants in DSP are known to be pathogenic (PMID: 20716751, 24503780, 25227139, 30398466). This variant is not present in population databases (gnomAD no frequency). This premature translational stop signal has been observed in individual(s) with palmoplantar keratoderma, woolly hair, and cardiomyopathy (PMID: 25227139). ClinVar contains an entry for this variant (Variation ID: 143947). Algorithms developed to predict the effect of sequence changes on RNA splicing suggest that this variant may disrupt the consensus splice site. For these reasons, this variant has been classified as Pathogenic.

Institute of Human Genetics, Heidelberg University
Classification: Pathogenic for Cardiomyopathy, dilated, with wooly hair, keratoderma, and tooth agenesis. Last evaluated: 2025-10-14. Review status: criteria provided, single submitter. Criteria: ACMG Guidelines, 2015. Collection method: clinical testing. Allele origin: de novo. Affected: no. Observed: 1 variant allele.
Comment: PM2_supp, PVS1_vs, PS4_mod

Color Diagnostics, LLC DBA Color Health
Classification: Likely pathogenic for Cardiomyopathy. Last evaluated: 2025-09-08. Review status: criteria provided, single submitter. Criteria: ACMG Guidelines, 2015. Collection method: clinical testing. Allele origin: germline.
Comment: This variant is a deletion of first two nucleotides in exon 16 in the DSP gene and is predicted to cause a frameshift and introduce a premature translational stop signal (p.Ser711CysfsTer4) in the DSP gene. In addition, this variant is expected to disrupt RNA splicing and result in the loss of DSP gene function. This variant has been reported in two siblings affected with dilated cardiomyopathy (PMID: 25227139). It has been observed in the compound heterozygous state with DSP p.Arg2586Ter in an individual with arrhythmogenic cardiomyopathy, woolly hair and palmoplantar keratoderma (PMID: 35300203). This variant has not been identified in the general population by the Genome Aggregation Database (gnomAD). Loss of DSP function is a known mechanism of disease. Based on the available evidence, this variant is classified as Likely Pathogenic.

CeGaT Center for Human Genetics Tuebingen
Classification: Pathogenic. Last evaluated: 2024-03-01. Review status: criteria provided, single submitter. Criteria: CeGaT Center For Human Genetics Tuebingen Variant Classification Criteria Version 2. Collection method: clinical testing. Allele origin: germline. Affected: yes. Observed: 1 variant allele.
Comment: DSP: PVS1, PM2, PS4:Supporting

GeneDx
Classification: Pathogenic. Last evaluated: 2016-05-26. Review status: criteria provided, single submitter. Criteria: GeneDx Variant Classification (06012015). Collection method: clinical testing. Allele origin: germline. Affected: yes.
Comment: This variant causes a shift in reading frame starting at codon Serine 711, changing it to a Cysteine, and creating a premature stop codon at position 4 of the new reading frame, denoted p.Ser711CysfsX4. The variant was maternally inherited; the mother had very curly hair and a diagnosis of mild bradycardia (Pigors et al., 2015). This variant is expected to result in either an abnormal, truncated protein product or loss of protein from this allele through nonsense-mediated mRNA decay. Approximately 50% of published variants in the DSP gene are predicted to lead to premature termination of protein translation. Other frameshift variants in the DSP gene have been reported in HGMD in association with cardiomyopathy (Stenson P et al., 2014). Lastly, the c.2131_2132delAG variant was not observed in approximately 6500 individuals of European and African American ancestry in the NHLBI Exome Sequencing Project, indicating it is not a common benign variant in these populations. In summary, c.2131_2132delAG in the DSP gene is interpreted as a disease-causing variant.

Strand Center for Genomics and Personalized Medicine, Strand Life Sciences Pvt Ltd
Classification: Likely pathogenic for Left ventricular noncompaction cardiomyopathy; Ventricular tachycardia. Review status: no assertion criteria provided. Collection method: clinical testing. Allele origin: germline. Inheritance: Autosomal dominant inheritance. Affected: yes. Observed: 2 variant alleles, 2 heterozygotes. Clinical features observed: Left ventricular noncompaction cardiomyopathy, Heart failure, Ventricular tachycardia. Not counted in ClinVar's aggregate classification.
Comment: Whole exome sequencing on these two sisters followed by interpretation of about 200 genes reported to cause cardiac malfunction yielded this variant as the prime candidate. The only other potentially interesting variants found were missense VUS''s in the TTN and LAMA4. This variant causes premature truncation of DSP after 713 amino acids instead of the usual 2871 amino acids. DSP connects desmin filaments to desmosomes, the rivets that hold neighboring cardiac muscle cells together. Truncating variants in one copy of DSP have been reported in a number of individuals with ARVD and DCM (PMID: 21606390,24503780). However, there are also several reports of one copy truncations without any clinical symptoms (PMID: 23137101). So truncations are possibly of limited penetrance. For all variants over all desmosomal genes, this penetrance is estimated to be 35% by age 40 and 60% lifelong. Heterozygous knockout mice models do show early death and heart disease (PMID: 16823493,22240500). DSP variants are typically associated with right ventricular disease, but left ventricular involvement with disease progress is common. There are also purely left ventricular instances reported (PMID: 16061754), due to a truncation at aa 586, which is close to the truncation in this case.

Literature cited by the submitters: PubMed 20716751 (cited by Labcorp Genetics (formerly Invitae), Labcorp); PubMed 24503780 (cited by Labcorp Genetics (formerly Invitae), Labcorp); PubMed 25227139 (cited by Labcorp Genetics (formerly Invitae), Labcorp and Color Diagnostics, LLC DBA Color Health); PubMed 30398466 (cited by Labcorp Genetics (formerly Invitae), Labcorp); PubMed 35300203 (cited by Color Diagnostics, LLC DBA Color Health).